The following is an entry in ClinVar:

ClinVar aggregate classification (germline): Benign. Review status: criteria provided, multiple submitters, no conflicts (2 of 4 stars). 2 submissions from 2 submitters: Benign (2). Last evaluated 2018-06-14.

Allele frequency attached by ClinVar (database versions not stated): gnomAD exomes 0.62896; 1000 Genomes Project 0.64277; 1000 Genomes Project 30x 0.65428; gnomAD 0.68610 and 0.69496; TOPMed 0.69065.
gnomAD v4.1: 463,346 of 722,634 alleles (64%); highest among the groups gnomAD compares: African/African-American, 81%; 150,503 homozygotes.

Submissions (2):

GeneDx
Classification: Benign. Last evaluated: 2018-06-14. Review status: criteria provided, single submitter. Criteria: GeneDx Variant Classification (06012015). Collection method: clinical testing. Allele origin: germline. Affected: yes.
Comment: This variant is considered likely benign or benign based on one or more of the following criteria: it is a conservative change, it occurs at a poorly conserved position in the protein, it is predicted to be benign by multiple in silico algorithms, and/or has population frequency not consistent with disease.

Breakthrough Genomics
Classification: Benign. Review status: criteria provided, single submitter. Criteria: ACMG Guidelines, 2015. Collection method: not provided. Allele origin: germline. Inheritance: Autosomal recessive inheritance. Affected: yes.

NM_001843.4(CNTN1):c.1228+123T>C

Gene: CNTN1 (contactin 1; plus strand). Cytogenetic location: 12q12.
Variant type: single nucleotide variant.
Coding change: c.1228+123T>C on transcript NM_001843.4 (MANE Select); 123 bases into the intron after coding-DNA position 1228, T replaced by C.
Molecular consequence: intron variant.
Genome position (GRCh38, 1-based): chr12:40,937,810, T>C. VCF-style: chr12-40937810-T-C. GRCh37 (hg19) VCF-style: chr12-41331612-T-C.
Other names: c.1228+123T>C (NM_001256063.2, NM_001256064.2); c.1195+123T>C (NM_175038.2).
Identifiers: ClinVar variation 679152 (VCV000679152.2), dbSNP rs1442193, ClinGen allele CA13723262.